The following is an entry in ClinVar:

NM_001384140.1(PCDH15):c.556C>T (p.Gln186Ter)

Gene: PCDH15 (protocadherin related 15; minus strand). Cytogenetic location: 10q21.1.
Variant type: single nucleotide variant.
Coding change: c.556C>T on transcript NM_001384140.1 (MANE Select); coding-DNA position 556, C replaced by T.
Protein change: p.Gln186Ter; replaces glutamine 186 with a stop codon.
Molecular consequence: nonsense.
Genome position (GRCh38, 1-based): chr10:54,346,403, G>A on the plus strand (C>T on the coding strand, the complement: PCDH15 is on the minus strand). VCF-style: chr10-54346403-G-A. GRCh37 (hg19) VCF-style: chr10-56106163-G-A.
Other names: NM_001384140.1(PCDH15):c.556C>T; p.Gln186Ter; c.571C>T, p.Gln191Ter (NM_001142763.2, NM_001142769.4, NM_001142771.2); c.556C>T, p.Gln186Ter (NM_001142764.2, NM_001142765.2, NM_001142766.2 and 8 more transcripts); c.490C>T, p.Gln164Ter (NM_001142768.2, NM_001142773.2, NM_001354404.2); c.556C>T (NM_033056.3); short protein forms Q186*, Q191*, Q164*.
Identifiers: ClinVar variation 813417 (VCV000813417.11), dbSNP rs1384677442, ClinGen allele CA376541666.

ClinVar aggregate classification (germline): Pathogenic/Likely pathogenic. Review status: criteria provided, multiple submitters, no conflicts (2 of 4 stars). 7 submissions from 6 submitters: Pathogenic (1); Likely pathogenic (6). Last evaluated 2025-11-18.

Conditions:
PCDH15-related disorder. Also called: PCDH15-related disorders; PCDH15-related condition.
Autosomal recessive nonsyndromic hearing loss 23. Identifiers: Orphanet 90636, MedGen C1836027, MONDO:0012293, OMIM 609533.
Usher syndrome type 1F (USH1F). Also called: USHER SYNDROME, TYPE IF. Identifiers: Orphanet 231169, Orphanet 886, MedGen C1865885, MONDO:0011186, OMIM 602083.
Usher syndrome type 1D (USH1D). Also called: USHER SYNDROME, TYPE ID. Identifiers: Orphanet 231169, Orphanet 886, MedGen C1832845, MONDO:0010984, OMIM 601067.
Usher syndrome type 1 (USH1). Also called: RETINITIS PIGMENTOSA AND CONGENITAL DEAFNESS. Identifiers: Orphanet 231169, Orphanet 886, MedGen C1568247, MONDO:0010168, OMIM 276900.

Allele frequency attached by ClinVar (database versions not stated): gnomAD 0.00001.

Submissions (7):

Natera, Inc.
Classification: Likely pathogenic for Usher syndrome type 1F. Last evaluated: 2025-11-18. Review status: criteria provided, single submitter. Criteria: Natera Variant Classification Schema (03/2026). Collection method: clinical testing. Allele origin: germline.
Comment: The c.556C>T variant in PCDH15 is a nonsense variant predicted to introduce a stop codon at amino acid 186. This variant is expected to result in nonsense mediated decay, truncation, or a dysfunctional protein product. This variant is rare in the general population with a frequency below the threshold expected for the associated phenotype(s). This variant has been observed in one or more individuals affected with the associated recessive disease, as either homozygous or compound heterozygous with a second variant (PMID: 33576794). Given the available evidence, this variant is classified as Likely Pathogenic.

Fulgent Genetics
Classification: Likely pathogenic for Usher syndrome type 1D; Usher syndrome type 1F; Autosomal recessive nonsyndromic hearing loss 23. Last evaluated: 2024-04-23. Review status: criteria provided, single submitter. Criteria: ACMG Guidelines, 2015. Collection method: clinical testing. Allele origin: germline.

Baylor Genetics
Classification: Likely pathogenic for Autosomal recessive nonsyndromic hearing loss 23. Last evaluated: 2024-03-02. Review status: criteria provided, single submitter. Criteria: ACMG Guidelines, 2015. Collection method: clinical testing. Allele origin: unknown.

Labcorp Genetics (formerly Invitae), Labcorp
Classification: Pathogenic. Last evaluated: 2024-02-08. Review status: criteria provided, single submitter. Criteria: Invitae Variant Classification Sherloc (09022015). Collection method: clinical testing. Allele origin: germline.
Comment: This sequence change creates a premature translational stop signal (p.Gln186*) in the PCDH15 gene. It is expected to result in an absent or disrupted protein product. Loss-of-function variants in PCDH15 are known to be pathogenic (PMID: 11398101, 11487575, 14570705). This variant is present in population databases (no rsID available, gnomAD no frequency). This premature translational stop signal has been observed in individual(s) with Usher Syndrome (PMID: 33576794). ClinVar contains an entry for this variant (Variation ID: 813417). For these reasons, this variant has been classified as Pathogenic.

Broad Center for Mendelian Genomics, Broad Institute of MIT and Harvard
Classification: Likely pathogenic for Usher syndrome type 1F. Last evaluated: 2023-01-24. Review status: criteria provided, single submitter. Criteria: ACMG Guidelines, 2015. Collection method: curation. Allele origin: germline. Inheritance: Autosomal recessive inheritance.
Comment: The p.Gln186Ter variant in PCDH15 has been reported in 1 individual with Usher syndrome type 1F (PMID: 33576794) and has been identified in 0.09% (1/1088) of other chromosomes by the Genome Aggregation Database (gnomAD; dbSNP ID: rs1384677442). This variant has also been reported in ClinVar (Variation ID#: 813417) and has been interpreted as likely pathogenic by Baylor Genetics. This nonsense variant leads to a premature termination codon at position 186, which is predicted to lead to a truncated or absent protein. Loss of function of the PCDH15 gene is an established disease mechanism in autosomal recessive Usher syndrome type 1F. In summary, although additional studies are required to fully establish its clinical significance, this variant is likely pathogenic for autosomal recessive Usher syndrome type 1F. ACMG/AMP Criteria applied: PVS1, PM2 (Richards 2015).

Blueprint Genetics
Classification: Likely pathogenic for PCDH15-related disorders. Last evaluated: 2021-10-22. Review status: criteria provided, single submitter. Criteria: ACMG Guidelines, 2015. Collection method: clinical testing. Allele origin: germline. Affected: yes. Observed: 1 variant allele.

Baylor Genetics
Classification: Likely pathogenic for Usher syndrome type 1. Review status: criteria provided, single submitter. Criteria: ACMG Guidelines, 2015. Collection method: clinical testing. Allele origin: germline.

Literature cited by the submitters: PubMed 33576794 (cited by Natera, Inc. and Labcorp Genetics (formerly Invitae), Labcorp); PubMed 11398101 (cited by Labcorp Genetics (formerly Invitae), Labcorp); PubMed 11487575 (cited by Labcorp Genetics (formerly Invitae), Labcorp); PubMed 14570705 (cited by Labcorp Genetics (formerly Invitae), Labcorp).